The following is an entry in ClinVar:

NM_018979.4(WNK1):c.1406C>T (p.Ser469Phe)

Gene: WNK1 (WNK lysine deficient protein kinase 1; plus strand). Cytogenetic location: 12p13.33.
Variant type: single nucleotide variant.
Coding change: c.1406C>T on transcript NM_018979.4 (MANE Select); coding-DNA position 1406, C replaced by T.
Protein change: p.Ser469Phe; replaces serine 469 with phenylalanine.
Molecular consequence: missense variant.
Genome position (GRCh38, 1-based): chr12:859,250, C>T. VCF-style: chr12-859250-C-T. GRCh37 (hg19) VCF-style: chr12-968416-C-T.
Other names: c.1406C>T, p.Ser469Phe (NM_001184985.2, NM_014823.3, NM_213655.5); short protein forms S469F.
Identifiers: ClinVar variation 2926102 (VCV002926102.3), dbSNP rs1292255174, ClinGen allele CA383333727.

ClinVar aggregate classification (germline): Uncertain significance (1 of 4 stars; one submission).

Conditions:
Neuropathy, hereditary sensory and autonomic, type 2A (HSAN2A). Also called: HSAN IIA; WNK1-Related HSAN2 (HSAN2A); ACROOSTEOLYSIS, GIACCAI TYPE; ACROOSTEOLYSIS, NEUROGENIC; MORVAN DISEASE; NEUROPATHY, CONGENITAL SENSORY. Identifiers: Orphanet 970, MedGen C2752089, MONDO:0024309, OMIM 201300.
Pseudohypoaldosteronism type 2C (PHA2C). Also called: Pseudohypoaldosteronism Type IIC. Identifiers: Orphanet 757, Orphanet 88940, MedGen C1840391, MONDO:0013778, OMIM 614492.

Allele frequency attached by ClinVar (database versions not stated): gnomAD 0.00001.
gnomAD v4.1: 1 of 1,611,034 alleles (0.000062%); highest among the groups gnomAD compares: African/African-American, 0.0013%; no homozygotes.

Submission:

Labcorp Genetics (formerly Invitae), Labcorp
Classification: Uncertain significance for Neuropathy, hereditary sensory and autonomic, type 2A; Pseudohypoaldosteronism type 2C. Last evaluated: 2023-05-23. Review status: criteria provided, single submitter. Criteria: Invitae Variant Classification Sherloc (09022015). Collection method: clinical testing. Allele origin: germline.
Comment: This sequence change replaces serine, which is neutral and polar, with phenylalanine, which is neutral and non-polar, at codon 469 of the WNK1 protein (p.Ser469Phe). This variant is present in population databases (no rsID available, gnomAD 0.01%). This variant has not been reported in the literature in individuals affected with WNK1-related conditions. Advanced modeling of protein sequence and biophysical properties (such as structural, functional, and spatial information, amino acid conservation, physicochemical variation, residue mobility, and thermodynamic stability) performed at Invitae indicates that this missense variant is not expected to disrupt WNK1 protein function. In summary, the available evidence is currently insufficient to determine the role of this variant in disease. Therefore, it has been classified as a Variant of Uncertain Significance.